The following is an entry in ClinVar:

NM_022124.6(CDH23):c.5418C>G (p.Asp1806Glu)

Gene: CDH23 (cadherin related 23; plus strand). Cytogenetic location: 10q22.1.
Variant type: single nucleotide variant.
Coding change: c.5418C>G on transcript NM_022124.6 (MANE Select); coding-DNA position 5418, C replaced by G.
Protein change: p.Asp1806Glu; replaces aspartic acid 1806 with glutamic acid.
Molecular consequence: missense variant.
Genome position (GRCh38, 1-based): chr10:71,784,336, C>G. VCF-style: chr10-71784336-C-G. GRCh37 (hg19) VCF-style: chr10-73544093-C-G.
Other names: p.D1806E:GAC>GAG; short protein forms D1806E.
Identifiers: ClinVar variation 45976 (VCV000045976.29), dbSNP rs74145660, ClinGen allele CA137481.

ClinVar aggregate classification (germline): Benign/Likely benign. Review status: criteria provided, multiple submitters, no conflicts (2 of 4 stars). 13 submissions from 12 submitters: Benign (8); Likely benign (3). 2 of the submissions do not count toward it. Last evaluated 2026-02-04.

Conditions:
Pituitary adenoma 5, multiple types. Identifiers: MedGen C4539685, MONDO:0054601, OMIM 617540.
Usher syndrome type 1D (USH1D). Also called: USHER SYNDROME, TYPE ID. Identifiers: Orphanet 231169, Orphanet 886, MedGen C1832845, MONDO:0010984, OMIM 601067.
Autosomal recessive nonsyndromic hearing loss 12. Also called: DEAFNESS, AUTOSOMAL RECESSIVE 12. Identifiers: Orphanet 90636, MedGen C1832394, MONDO:0011067, OMIM 601386.
Usher syndrome type 1 (USH1). Also called: RETINITIS PIGMENTOSA AND CONGENITAL DEAFNESS. Identifiers: Orphanet 231169, Orphanet 886, MedGen C1568247, MONDO:0010168, OMIM 276900.

Allele frequency attached by ClinVar (database versions not stated): 1000 Genomes Project 0.02396; ESP Exome Variant Server 0.01292; TOPMed 0.01870; 1000 Genomes Project 30x 0.02217.
gnomAD v4.1: 15,322 of 1,613,886 alleles (0.95%); highest among the groups gnomAD compares: East Asian, 8.8%; 260 homozygotes.

Submissions (19):

Labcorp Genetics (formerly Invitae), Labcorp
Classification: Benign. Last evaluated: 2026-02-04. Review status: criteria provided, single submitter. Criteria: Invitae Variant Classification Sherloc (09022015). Collection method: clinical testing. Allele origin: germline.

Fulgent Genetics
Classification: Benign for Usher syndrome type 1D; Autosomal recessive nonsyndromic hearing loss 12; Pituitary adenoma 5, multiple types. Last evaluated: 2022-04-12. Review status: criteria provided, single submitter. Criteria: ACMG Guidelines, 2015. Collection method: clinical testing. Allele origin: unknown.

Women's Health and Genetics/Laboratory Corporation of America, LabCorp
Classification: Likely benign. Last evaluated: 2021-12-10. Review status: criteria provided, single submitter. Criteria: LabCorp Variant Classification Summary - May 2015. Collection method: clinical testing. Allele origin: germline.

Genome-Nilou Lab
Classification: Benign for Usher syndrome type 1D. Last evaluated: 2021-07-01. Review status: criteria provided, single submitter. Criteria: ACMG Guidelines, 2015. Collection method: clinical testing. Allele origin: germline. Affected: no.

Genome-Nilou Lab
Classification: Benign for Autosomal recessive nonsyndromic hearing loss 12. Last evaluated: 2021-07-01. Review status: criteria provided, single submitter. Criteria: ACMG Guidelines, 2015. Collection method: clinical testing. Allele origin: germline. Affected: no.

Athena Diagnostics
Classification: Benign. Last evaluated: 2018-11-26. Review status: criteria provided, single submitter. Criteria: Athena Diagnostics Criteria. Collection method: clinical testing. Allele origin: germline.

Illumina Laboratory Services, Illumina
Classification: Likely benign for Usher syndrome type 1D. Last evaluated: 2017-04-27. Review status: criteria provided, single submitter. Criteria: ICSL Variant Classification Criteria 13 December 2019. Collection method: clinical testing. Allele origin: germline.
Comment: This variant was observed as part of a predisposition screen in an ostensibly healthy population. A literature search was performed for the gene, cDNA change, and amino acid change (where applicable). Publications were found based on this search. The evidence from the literature, in combination with allele frequency data from public databases where available, was sufficient to determine this variant is unlikely to cause disease. Therefore, this variant is classified as likely benign.

Eurofins Ntd Llc (ga)
Classification: Benign. Last evaluated: 2015-05-20. Review status: criteria provided, single submitter. Criteria: EGL Classification Definitions 2015. Collection method: clinical testing. Allele origin: germline. Observed: 1 variant allele, 1 heterozygote.

GeneDx
Classification: Benign. Last evaluated: 2013-05-13. Review status: criteria provided, single submitter. Criteria: GeneDx Variant Classification (06012015). Collection method: clinical testing. Allele origin: germline. Affected: yes.
Comment: This variant is considered likely benign or benign based on one or more of the following criteria: it is a conservative change, it occurs at a poorly conserved position in the protein, it is predicted to be benign by multiple in silico algorithms, and/or has population frequency not consistent with disease.

Laboratory for Molecular Medicine, Mass General Brigham Personalized Medicine
Classification: Benign. Last evaluated: 2012-03-22. Review status: criteria provided, single submitter. Criteria: LMM Criteria. Collection method: clinical testing. Allele origin: germline. Observed: 51 variant alleles.
Comment: Asp1806Glu in exon 42 of CDH23: This variant is not expected to have clinical si gnificance due to its occurrence at an equal frequency in cases compared to the general population (Roux 2006, Wagatsuma 2007) and is listed in dbSNP with 10/28 8 (3.5%) frequency (rs74145660).

Breakthrough Genomics
Classification: Likely benign. Review status: criteria provided, single submitter. Criteria: ACMG Guidelines, 2015. Collection method: not provided. Allele origin: germline. Inheritance: Autosomal recessive inheritance. Affected: yes.

Natera, Inc.
Classification: Benign for Usher syndrome type 1. Last evaluated: 2020-09-16. Review status: no assertion criteria provided. Collection method: clinical testing. Allele origin: germline. Not counted in ClinVar's aggregate classification.

Department of Ophthalmology and Visual Sciences Kyoto University
Classification: Likely benign. Review status: no assertion criteria provided. Collection method: not provided. Allele origin: unknown. Not counted in ClinVar's aggregate classification.
ClinVar note: Converted during submission from probable-non-pathogenic to Likely benign.

Dr. Peter K. Rogan Lab, Western University
No classification provided (evidence only). Condition: Acute myeloid leukemia. Review status: no classification provided. Collection method: in vitro. Allele origin: not applicable. Functional consequence: retained intron. Not counted in ClinVar's aggregate classification.

Dr. Peter K. Rogan Lab, Western University
No classification provided (evidence only). Condition: Cervical cancer. Review status: no classification provided. Collection method: in vitro. Allele origin: not applicable. Functional consequence: retained intron. Not counted in ClinVar's aggregate classification.

Dr. Peter K. Rogan Lab, Western University
No classification provided (evidence only). Condition: Thymoma. Review status: no classification provided. Collection method: in vitro. Allele origin: not applicable. Functional consequence: retained intron. Not counted in ClinVar's aggregate classification.

Dr. Peter K. Rogan Lab, Western University
No classification provided (evidence only). Condition: Ovarian serous cystadenocarcinoma. Review status: no classification provided. Collection method: in vitro. Allele origin: not applicable. Functional consequence: retained intron. Not counted in ClinVar's aggregate classification.

Dr. Peter K. Rogan Lab, Western University
No classification provided (evidence only). Condition: Adrenocortical carcinoma, hereditary. Review status: no classification provided. Collection method: in vitro. Allele origin: not applicable. Functional consequence: retained intron. Not counted in ClinVar's aggregate classification.

Dr. Peter K. Rogan Lab, Western University
No classification provided (evidence only). Condition: Uterine carcinosarcoma. Review status: no classification provided. Collection method: in vitro. Allele origin: not applicable. Functional consequence: retained intron. Not counted in ClinVar's aggregate classification.

Literature cited by the submitters: PubMed 20613545 (cited by Illumina Laboratory Services, Illumina); PubMed 16679490 (cited by Laboratory for Molecular Medicine, Mass General Brigham Personalized Medicine); PubMed 17850630 (cited by Laboratory for Molecular Medicine, Mass General Brigham Personalized Medicine).